The following is an entry in ClinVar:

ClinVar aggregate classification (germline): Uncertain significance (1 of 4 stars; one submission).

Conditions:
Familial intrahepatic cholestasis. Identifiers: Orphanet 284385, MedGen CN296401, MONDO:0017290.

gnomAD v4.1: 1 of 1,612,686 alleles (0.000062%); highest among the groups gnomAD compares: South Asian, 0.0011%; no homozygotes.

Submission:

Genomenon, Inc
Classification: Uncertain significance for Familial intrahepatic cholestasis. Last evaluated: 2026-04-14. Review status: criteria provided, single submitter. Criteria: Genomenon Sequence Variant Interpretation Standards - Updated. Collection method: curation. Allele origin: germline. Affected: no.
Comment: ABCB11 p.Phe651Ser (c.1952T>C) is a missense variant that changes the amino acid at residue 651 from Phenylalanine to Serine. This variant has been reported in the published literature (PMID:37208429). It is absent or not present at a significant frequency in gnomAD. In conclusion, we classify ABCB11 p.Phe651Ser (c.1952T>C) as a variant of uncertain significance.

Literature cited by the submitters: PubMed 37208429.

NM_003742.4(ABCB11):c.1952T>C (p.Phe651Ser)

Gene: ABCB11 (ATP binding cassette subfamily B member 11; minus strand). Cytogenetic location: 2q31.1.
Variant type: single nucleotide variant.
Coding change: c.1952T>C on transcript NM_003742.4 (MANE Select); coding-DNA position 1952, T replaced by C.
Protein change: p.Phe651Ser; replaces phenylalanine 651 with serine.
Molecular consequence: missense variant.
Genome position (GRCh38, 1-based): chr2:168,969,409, A>G on the plus strand (T>C on the coding strand, the complement: ABCB11 is on the minus strand). VCF-style: chr2-168969409-A-G. GRCh37 (hg19) VCF-style: chr2-169825919-A-G.
Other names: short protein forms F651S.
Identifiers: ClinVar variation 4845999 (VCV004845999.1).